The following is an entry in ClinVar:

ClinVar aggregate classification (germline): Uncertain significance. Review status: criteria provided, multiple submitters, no conflicts (2 of 4 stars). 2 submissions from 2 submitters: Uncertain significance (2). Last evaluated 2026-01-05.

Conditions:
Hereditary cancer-predisposing syndrome. Also called: Neoplastic Syndromes, Hereditary; Hereditary neoplastic syndrome; Tumor predisposition; Hereditary Cancer Syndrome. Identifiers: Orphanet 140162, MedGen C0027672, MeSH D009386, MONDO:0015356.
Renal cell carcinoma. Identifiers: Orphanet 217071, MedGen C0007134, MeSH D002292, MONDO:0005086, HP:0005584.

Allele frequency attached by ClinVar (database versions not stated): gnomAD exomes below 0.00001.

Submissions (2):

Labcorp Genetics (formerly Invitae), Labcorp
Classification: Uncertain significance for Renal cell carcinoma. Last evaluated: 2026-01-05. Review status: criteria provided, single submitter. Criteria: Invitae Variant Classification Sherloc (09022015). Collection method: clinical testing. Allele origin: germline.
Comment: This sequence change replaces cysteine, which is neutral and slightly polar, with tyrosine, which is neutral and polar, at codon 363 of the MET protein (p.Cys363Tyr). This variant is present in population databases (no rsID available, gnomAD 0.0009%). This missense change has been observed in individual(s) with deafness (PMID: 37086329). ClinVar contains an entry for this variant (Variation ID: 576048). Invitae Evidence Modeling of protein sequence and biophysical properties (such as structural, functional, and spatial information, amino acid conservation, physicochemical variation, residue mobility, and thermodynamic stability) indicates that this missense variant is expected to disrupt MET protein function with a positive predictive value of 80%. In summary, the available evidence is currently insufficient to determine the role of this variant in disease. Therefore, it has been classified as a Variant of Uncertain Significance.

Ambry Genetics
Classification: Uncertain significance for Hereditary cancer-predisposing syndrome. Last evaluated: 2025-12-20. Review status: criteria provided, single submitter. Criteria: Ambry Variant Classification Scheme 2023. Collection method: clinical testing. Allele origin: germline.
Comment: The p.C363Y variant (also known as c.1088G>A), located in coding exon 1 of the MET gene, results from a G to A substitution at nucleotide position 1088. The cysteine at codon 363 is replaced by tyrosine, an amino acid with highly dissimilar properties. This amino acid position is highly conserved in available vertebrate species. In addition, this alteration is predicted to be deleterious by in silico analysis. Since supporting evidence is limited at this time, the clinical significance of this alteration remains unclear.

Literature cited by the submitters: PubMed 37086329 (cited by Labcorp Genetics (formerly Invitae), Labcorp).

NM_000245.4(MET):c.1088G>A (p.Cys363Tyr)

Gene: MET (MET proto-oncogene, receptor tyrosine kinase; plus strand). Cytogenetic location: 7q31.2.
Variant type: single nucleotide variant.
Coding change: c.1088G>A on transcript NM_000245.4 (MANE Select); coding-DNA position 1088, G replaced by A.
Protein change: p.Cys363Tyr; replaces cysteine 363 with tyrosine.
Molecular consequence: missense variant. On other transcripts: intron variant (1).
Genome position (GRCh38, 1-based): chr7:116,700,172, G>A. VCF-style: chr7-116700172-G-A. GRCh37 (hg19) VCF-style: chr7-116340226-G-A.
Other names: c.1088G>A, p.Cys363Tyr (NM_001127500.3, NM_001324401.3); c.-91+27595G>A (NM_001324402.2); short protein forms C363Y.
Identifiers: ClinVar variation 576048 (VCV000576048.14), dbSNP rs1472858680, ClinGen allele CA368970509.
Genomic context (GRCh38, chr7:116,700,172, plus strand): 5'-TCGGGGTGTTCGCACAAAGCAAGCCAGATTCTGCCGAACCAATGGATCGATCTGCCATGT[G>A]TGCATTCCCTATCAAATATGTCAACGACTTCTTCAACAAGATCGTCAACAAAAACAATGT-3'
Protein context (NP_000236.2, residues 353-373): SAEPMDRSAM[Cys363Tyr]AFPIKYVNDF